The following is an entry in ClinVar:

ClinVar aggregate classification (germline): Likely benign (0 of 4 stars; one submission).

Conditions:
SEMA3F-related disorder. Also called: SEMA3F-related condition.

gnomAD v4.1: 46 of 1,458,388 alleles (0.0032%); highest among the groups gnomAD compares: Non-Finnish European, 0.0041%; no homozygotes.

Submission:

PreventionGenetics, part of Exact Sciences
Classification: Likely benign for SEMA3F-related condition. Last evaluated: 2021-09-09. Review status: no assertion criteria provided. Collection method: clinical testing. Allele origin: germline.
Comment: This variant is classified as likely benign based on ACMG/AMP sequence variant interpretation guidelines (Richards et al. 2015 PMID: 25741868, with internal and published modifications).

NM_004186.5(SEMA3F):c.*9G>A

Gene: SEMA3F (semaphorin 3F; plus strand). Cytogenetic location: 3p21.31.
Variant type: single nucleotide variant.
Coding change: c.*9G>A on transcript NM_004186.5 (MANE Select); 9 bases downstream of the stop codon, G replaced by A.
Molecular consequence: 3 prime UTR variant.
Genome position (GRCh38, 1-based): chr3:50,188,124, G>A. VCF-style: chr3-50188124-G-A. GRCh37 (hg19) VCF-style: chr3-50225557-G-A.
Other names: c.*9G>A (NM_001318798.2, NM_001318800.2).
Identifiers: ClinVar variation 3355472 (VCV003355472.1).